The following is an entry in ClinVar:

ClinVar aggregate classification (germline): Benign. Review status: criteria provided, multiple submitters, no conflicts (2 of 4 stars). 7 submissions from 7 submitters: Benign (7). Last evaluated 2026-02-04.

Conditions:
Anemia, congenital dyserythropoietic, type 1a (CDAN1A). Also called: DYSERYTHROPOIETIC ANEMIA, CONGENITAL, TYPE Ia; CDAN1-Related Congenital Dyserythropoietic Anemia. Identifiers: MedGen C5574667, MONDO:0009135, OMIM 224120.
Congenital dyserythropoietic anemia, type I. Also called: Dyserythropoietic anemia, congenital type 1. Identifiers: Orphanet 98869, MedGen C0271933, MONDO:0020337. Disease mechanism: loss of function.

Allele frequency attached by ClinVar (database versions not stated): gnomAD exomes 0.01251 and 0.02992; ExAC 0.03370; gnomAD 0.06084 and 0.06184; ESP Exome Variant Server 0.06394; TOPMed 0.06696; 1000 Genomes Project 0.09645; 1000 Genomes Project 30x 0.09650.
gnomAD v4.1: 28,263 of 1,614,048 alleles (1.8%); highest among the groups gnomAD compares: African/African-American, 19%; 1,784 homozygotes.

Submissions (7):

Labcorp Genetics (formerly Invitae), Labcorp
Classification: Benign. Last evaluated: 2026-02-04. Review status: criteria provided, single submitter. Criteria: Invitae Variant Classification Sherloc (09022015). Collection method: clinical testing. Allele origin: germline.

Mayo Clinic Laboratories, Mayo Clinic
Classification: Benign. Last evaluated: 2025-09-17. Review status: criteria provided, single submitter. Criteria: ACMG Guidelines, 2015. Collection method: clinical testing. Allele origin: germline. Observed: 170 variant alleles.
Comment: BA1, BS1, BS2, BP4, BP7

ARUP Laboratories, Molecular Genetics and Genomics, ARUP Laboratories
Classification: Benign for Anemia, congenital dyserythropoietic, type 1a. Last evaluated: 2025-07-25. Review status: criteria provided, single submitter. Criteria: ARUP Molecular Germline Variant Investigation Process 2024. Collection method: clinical testing. Allele origin: germline.

GeneDx
Classification: Benign. Last evaluated: 2021-05-04. Review status: criteria provided, single submitter. Criteria: GeneDx Variant Classification Process June 2021. Collection method: clinical testing. Allele origin: germline. Affected: yes.

Illumina Laboratory Services, Illumina
Classification: Benign for Anemia, congenital dyserythropoietic, type 1a. Last evaluated: 2018-01-13. Review status: criteria provided, single submitter. Criteria: ICSL Variant Classification Criteria 13 December 2019. Collection method: clinical testing. Allele origin: germline.
Comment: This variant was observed in the ICSL laboratory as part of a predisposition screen in an ostensibly healthy population. It had not been previously curated by ICSL or reported in the Human Gene Mutation Database (HGMD: prior to June 1st, 2018), and was therefore a candidate for classification through an automated scoring system. Utilizing variant allele frequency, disease prevalence and penetrance estimates, and inheritance mode, an automated score was calculated to assess if this variant is too frequent to cause the disease. Based on the score and internal cut-off values, a variant classified as benign is not then subjected to further curation. The score for this variant resulted in a classification of benign for this disease.

Breakthrough Genomics
Classification: Benign. Review status: criteria provided, single submitter. Criteria: ACMG Guidelines, 2015. Collection method: not provided. Allele origin: germline. Inheritance: Autosomal recessive inheritance. Affected: yes.

PreventionGenetics, part of Exact Sciences
Classification: Benign. Review status: criteria provided, single submitter. Criteria: ACMG Guidelines, 2015. Collection method: clinical testing. Allele origin: germline.

NM_138477.4(CDAN1):c.816C>A (p.Thr272=)

Gene: CDAN1 (codanin 1; minus strand). Cytogenetic location: 15q15.2.
Variant type: single nucleotide variant.
Coding change: c.816C>A on transcript NM_138477.4 (MANE Select); coding-DNA position 816, C replaced by A.
Protein change: p.Thr272=; no amino-acid change (threonine 272 retained).
Molecular consequence: synonymous variant.
Genome position (GRCh38, 1-based): chr15:42,735,637, G>T on the plus strand (C>A on the coding strand, the complement: CDAN1 is on the minus strand). VCF-style: chr15-42735637-G-T. GRCh37 (hg19) VCF-style: chr15-43027835-G-T.
Other names: p.Thr272=; c.816C>A, p.Thr272= (LRG_1164t1).
Identifiers: ClinVar variation 262380 (VCV000262380.32), dbSNP rs76599133, ClinGen allele CA7516261.
Genomic context (GRCh38, chr15:42,735,637, plus strand): 5'-GTCTGCAGGTTCATCTGTGAGGCTTCCTGTCCGGCTGGGGAGGGGCGACCCCAATTCTGG[G>T]GTGGGACAGGTGGGGGTAGGTGACTGCTGCAGCTGCTTAGAGCTATGGAATAAAGAAATT-3'
Protein context (NP_612486.2, residues 262-282): LQQSPTPTCP[Thr272=]PELGSPLPSR